The following is an entry in ClinVar:

NM_138694.4(PKHD1):c.10100C>G (p.Pro3367Arg)

Gene: PKHD1 (PKHD1 ciliary IPT domain containing fibrocystin/polyductin; minus strand). Cytogenetic location: 6p12.3.
Variant type: single nucleotide variant.
Coding change: c.10100C>G on transcript NM_138694.4 (MANE Select); coding-DNA position 10100, C replaced by G.
Protein change: p.Pro3367Arg; replaces proline 3367 with arginine.
Molecular consequence: missense variant.
Genome position (GRCh38, 1-based): chr6:51,744,441, G>C on the plus strand (C>G on the coding strand, the complement: PKHD1 is on the minus strand). VCF-style: chr6-51744441-G-C. GRCh37 (hg19) VCF-style: chr6-51609239-G-C.
Other names: c.10100C>G, p.Pro3367Arg (NM_170724.3); short protein forms P3367R.
Identifiers: ClinVar variation 4773449 (VCV004773449.1).
Genomic context (GRCh38, chr6:51,744,441, plus strand): 5'-TTACCTGCGTTGAAGAAGGATGCAGTCCATTCTGCCTCTGTTTTAGGAAATACAGAAACT[G>C]GTGGAGGCAGACCCAGGGCTCTCCCATCCAGATCCTTGAAGAGATATTTTCTTGGACTTG-3'
Protein context (NP_619639.3, residues 3357-3377): LDGRALGLPP[Pro3367Arg]VSVFPKTEAE

ClinVar aggregate classification (germline): Uncertain significance (1 of 4 stars; one submission).

Conditions:
Autosomal recessive polycystic kidney disease (ARPKD). Also called: AR polycystic kidney disease. Identifiers: Orphanet 731, Orphanet 8378, MedGen C0085548, MeSH D017044, MONDO:0009889.

gnomAD v4.1: 1 of 1,613,694 alleles (0.000062%); highest among the groups gnomAD compares: Non-Finnish European, 0.000085%; no homozygotes.

Submission:

Labcorp Genetics (formerly Invitae), Labcorp
Classification: Uncertain significance for Autosomal recessive polycystic kidney disease. Last evaluated: 2025-07-30. Review status: criteria provided, single submitter. Criteria: Invitae Variant Classification Sherloc (09022015). Collection method: clinical testing. Allele origin: germline.
Comment: This sequence change replaces proline, which is neutral and non-polar, with arginine, which is basic and polar, at codon 3367 of the PKHD1 protein (p.Pro3367Arg). This variant is not present in population databases (gnomAD no frequency). This variant has not been reported in the literature in individuals affected with PKHD1-related conditions. Invitae Evidence Modeling of protein sequence and biophysical properties (such as structural, functional, and spatial information, amino acid conservation, physicochemical variation, residue mobility, and thermodynamic stability) indicates that this missense variant is expected to disrupt PKHD1 protein function with a positive predictive value of 95%. In summary, the available evidence is currently insufficient to determine the role of this variant in disease. Therefore, it has been classified as a Variant of Uncertain Significance.